The following is an entry in ClinVar:

ClinVar aggregate classification (germline): Uncertain significance. Review status: criteria provided, multiple submitters, no conflicts (2 of 4 stars). 2 submissions from 2 submitters: Uncertain significance (2). Last evaluated 2024-04-25.

Conditions:
3-Methylglutaconic aciduria type 2 (BTHS). Also called: CARDIOSKELETAL MYOPATHY WITH NEUTROPENIA AND ABNORMAL MITOCHONDRIA; Barth syndrome. Identifiers: Orphanet 111, MedGen C0574083, MONDO:0010543, OMIM 302060.

Allele frequency attached by ClinVar (database versions not stated): TOPMed below 0.00001.

Submissions (2):

Labcorp Genetics (formerly Invitae), Labcorp
Classification: Uncertain significance for 3-Methylglutaconic aciduria type 2. Last evaluated: 2024-04-25. Review status: criteria provided, single submitter. Criteria: Invitae Variant Classification Sherloc (09022015). Collection method: clinical testing. Allele origin: germline.
Comment: This sequence change replaces aspartic acid, which is acidic and polar, with asparagine, which is neutral and polar, at codon 173 of the TAZ protein (p.Asp173Asn). This variant is not present in population databases (gnomAD no frequency). This variant has not been reported in the literature in individuals affected with TAZ-related conditions. An algorithm developed to predict the effect of missense changes on protein structure and function (PolyPhen-2) suggests that this variant is likely to be tolerated. In summary, the available evidence is currently insufficient to determine the role of this variant in disease. Therefore, it has been classified as a Variant of Uncertain Significance.

GeneDx
Classification: Uncertain significance. Last evaluated: 2024-04-02. Review status: criteria provided, single submitter. Criteria: GeneDx Variant Classification Process June 2021. Collection method: clinical testing. Allele origin: germline. Affected: yes.
Comment: Has not been previously published as pathogenic or benign to our knowledge; Not observed at significant frequency in large population cohorts (gnomAD); In silico analysis suggests this variant may impact gene splicing. In the absence of RNA/functional studies, the actual effect of this sequence change is unknown.; In silico analysis supports that this missense variant does not alter protein structure/function

NM_000116.5(TAFAZZIN):c.517G>A (p.Asp173Asn)

Gene: TAFAZZIN (tafazzin, phospholipid-lysophospholipid transacylase; plus strand). Cytogenetic location: Xq28.
Variant type: single nucleotide variant.
Coding change: c.517G>A on transcript NM_000116.5 (MANE Select); coding-DNA position 517, G replaced by A.
Protein change: p.Asp173Asn; replaces aspartic acid 173 with asparagine.
Molecular consequence: missense variant. On other transcripts: non-coding transcript variant (1).
Genome position (GRCh38, 1-based): chrX:154,419,599, G>A. VCF-style: chrX-154419599-G-A. GRCh37 (hg19) VCF-style: chrX-153647938-G-A.
Other names: c.571G>A, p.Asp191Asn (NM_001303465.2); c.481G>A, p.Asp161Asn (NM_001410698.1); c.427G>A, p.Asp143Asn (NM_181311.4, NM_181313.4); c.517G>A, p.Asp173Asn (NM_181312.4); c.517G>A (NM_000116.3); short protein forms D161N, D173N, D143N, D191N.
Identifiers: ClinVar variation 2899746 (VCV002899746.4), dbSNP rs2068570204, ClinGen allele CA415183642.
Genomic context (GRCh38, chrX:154,419,599, plus strand): 5'-GCAGGAGATGGCGTCTACCAGAAGGGGATGGACTTCATTTTGGAGAAGCTCAACCATGGG[G>A]ACTGGGTGCATATCTTCCCAGAAGGTCAGCAGGGCTGACTGGGTCGAGCCCCCCCAGTAT-3'
Protein context (NP_000107.1, residues 163-183): DFILEKLNHG[Asp173Asn]WVHIFPEGKV